The following is an entry in ClinVar:

ClinVar aggregate classification (germline): Uncertain significance (1 of 4 stars; one submission).

Conditions:
Catecholaminergic polymorphic ventricular tachycardia 1. Also called: RYR2-Related Catecholaminergic Polymorphic Ventricular Tachycardia; VENTRICULAR TACHYCARDIA, CATECHOLAMINERGIC POLYMORPHIC, 1, WITH OR WITHOUT ATRIAL DYSFUNCTION AND/OR DILATED CARDIOMYOPATHY; VENTRICULAR TACHYCARDIA, STRESS-INDUCED POLYMORPHIC 1. Identifiers: Orphanet 3286, MedGen C1631597, MONDO:0011484, OMIM 604772.

Allele frequency attached by ClinVar (database versions not stated): gnomAD exomes below 0.00001.
gnomAD v4.1: 1 of 1,326,862 alleles (0.000075%); highest among the groups gnomAD compares: Non-Finnish European, 0.0001%; no homozygotes.

Submission:

Labcorp Genetics (formerly Invitae), Labcorp
Classification: Uncertain significance for Catecholaminergic polymorphic ventricular tachycardia 1. Last evaluated: 2021-09-25. Review status: criteria provided, single submitter. Criteria: Invitae Variant Classification Sherloc (09022015). Collection method: clinical testing. Allele origin: germline.
Comment: In summary, the available evidence is currently insufficient to determine the role of this variant in disease. Therefore, it has been classified as a Variant of Uncertain Significance. Algorithms developed to predict the effect of missense changes on protein structure and function are either unavailable or do not agree on the potential impact of this missense change (SIFT: "Deleterious"; PolyPhen-2: "Possibly Damaging"; Align-GVGD: "Class C0"). This variant has not been reported in the literature in individuals affected with TRDN-related conditions. This variant is not present in population databases (ExAC no frequency). This sequence change replaces threonine with arginine at codon 638 of the TRDN protein (p.Thr638Arg). The threonine residue is weakly conserved and there is a moderate physicochemical difference between threonine and arginine.

NM_006073.4(TRDN):c.1913C>G (p.Thr638Arg)

Gene: TRDN (triadin; minus strand). Cytogenetic location: 6q22.31.
Variant type: single nucleotide variant.
Coding change: c.1913C>G on transcript NM_006073.4 (MANE Select); coding-DNA position 1913, C replaced by G.
Protein change: p.Thr638Arg; replaces threonine 638 with arginine.
Molecular consequence: missense variant.
Genome position (GRCh38, 1-based): chr6:123,255,119, G>C on the plus strand (C>G on the coding strand, the complement: TRDN is on the minus strand). VCF-style: chr6-123255119-G-C. GRCh37 (hg19) VCF-style: chr6-123576264-G-C.
Other names: short protein forms T638R.
Identifiers: ClinVar variation 1383140 (VCV001383140.7), dbSNP rs1168548735, ClinGen allele CA365562187.